The following is an entry in ClinVar:

NM_002047.4(GARS1):c.655A>G (p.Lys219Glu)

Gene: GARS1 (glycyl-tRNA synthetase 1; plus strand). Cytogenetic location: 7p14.3.
Variant type: single nucleotide variant.
Coding change: c.655A>G on transcript NM_002047.4 (MANE Select); coding-DNA position 655, A replaced by G.
Protein change: p.Lys219Glu; replaces lysine 219 with glutamic acid.
Molecular consequence: missense variant.
Genome position (GRCh38, 1-based): chr7:30,603,119, A>G. VCF-style: chr7-30603119-A-G. GRCh37 (hg19) VCF-style: chr7-30642735-A-G.
Other names: c.493A>G, p.Lys165Glu (NM_001316772.1); short protein forms K165E, K219E.
Identifiers: ClinVar variation 4759982 (VCV004759982.1).
Genomic context (GRCh38, chr7:30,603,119, plus strand): 5'-GCTGACTTCATGGTGAAAGACGTAAAAAATGGAGAATGTTTTCGTGCTGACCATCTATTA[A>G]AAGGTGAGGTTCTTCATCTCCTTCAGGTAGGATTGATCAAAATAAAAGGTTTAAACTTTC-3'
Protein context (NP_002038.2, residues 209-229): GECFRADHLL[Lys219Glu]AHLQKLMSDK

ClinVar aggregate classification (germline): Uncertain significance (1 of 4 stars; one submission).

Conditions:
Charcot-Marie-Tooth disease type 2. Also called: Charcot-Marie-Tooth type 2. Identifiers: Orphanet 64746, MedGen C0270914, MONDO:0018993.

Submission:

Labcorp Genetics (formerly Invitae), Labcorp
Classification: Uncertain significance for Charcot-Marie-Tooth disease type 2. Last evaluated: 2025-11-10. Review status: criteria provided, single submitter. Criteria: Invitae Variant Classification Sherloc (09022015). Collection method: clinical testing. Allele origin: germline.
Comment: This sequence change replaces lysine, which is basic and polar, with glutamic acid, which is acidic and polar, at codon 219 of the GARS protein (p.Lys219Glu). This variant is not present in population databases (gnomAD no frequency). This variant has not been reported in the literature in individuals affected with GARS-related conditions. Invitae Evidence Modeling of protein sequence and biophysical properties (such as structural, functional, and spatial information, amino acid conservation, physicochemical variation, residue mobility, and thermodynamic stability) indicates that this missense variant is not expected to disrupt GARS protein function with a negative predictive value of 95%. Algorithms developed to predict the effect of sequence changes on RNA splicing suggest that this variant may create or strengthen a splice site. In summary, the available evidence is currently insufficient to determine the role of this variant in disease. Therefore, it has been classified as a Variant of Uncertain Significance.